The following is an entry in ClinVar:

ClinVar aggregate classification (germline): Uncertain significance (1 of 4 stars; one submission).

Submission:

Labcorp Genetics (formerly Invitae), Labcorp
Classification: Uncertain significance. Last evaluated: 2025-08-05. Review status: criteria provided, single submitter. Criteria: Invitae Variant Classification Sherloc (09022015). Collection method: clinical testing. Allele origin: germline.
Comment: This sequence change falls in intron 12 of the CUL3 gene. It does not directly change the encoded amino acid sequence of the CUL3 protein. It affects a nucleotide within the consensus splice site. This variant is present in population databases (no rsID available, gnomAD 0.0009%). This variant has not been reported in the literature in individuals affected with CUL3-related conditions. ClinVar contains an entry for this variant (Variation ID: 3620444). Variants that disrupt the consensus splice site are a relatively common cause of aberrant splicing (PMID: 17576681, 9536098). Algorithms developed to predict the effect of sequence changes on RNA splicing suggest that this variant is not likely to affect RNA splicing. In summary, the available evidence is currently insufficient to determine the role of this variant in disease. Therefore, it has been classified as a Variant of Uncertain Significance.

Literature cited by the submitters: PubMed 17576681; PubMed 9536098.

NM_003590.5(CUL3):c.1707+5del

Gene: CUL3 (cullin 3; minus strand). Cytogenetic location: 2q36.2.
Variant type: Deletion.
Coding change: c.1707+5del on transcript NM_003590.5 (MANE Select); 5 bases into the intron after coding-DNA position 1707, one base deleted (A; older notation c.1707+5delA).
Molecular consequence: intron variant.
Genome position (GRCh38, 1-based): chr2:224,497,748, T deleted on the plus strand (A on the coding strand, the reverse complement: CUL3 is on the minus strand); the first of 3 consecutive T bases (chr2:224,497,748-224,497,750); deleting any one gives the same sequence. VCF-style (leftmost placement, unchanged base first): chr2-224497747-AT-A. GRCh37 (hg19) VCF-style: chr2-225362464-AT-A.
Other names: c.1509+5del (NM_001257197.2); c.1725+5del (NM_001257198.2).
Identifiers: ClinVar variation 3620444 (VCV003620444.2).